The following is an entry in ClinVar:

ClinVar aggregate classification (germline): Benign. Review status: reviewed by expert panel (3 of 4 stars). 4 submissions from 4 submitters: Benign (1). 3 of the submissions do not count toward it. Last evaluated 2019-06-18.

Conditions:
Hereditary breast ovarian cancer syndrome. Also called: Hereditary breast and ovarian cancer syndrome; Hereditary breast and ovarian cancer; Hereditary breast and ovarian cancer syndrome (HBOC); Breast and ovarian cancer; Hereditary breast and/or ovarian cancer syndrome; BRCA1- and BRCA2-Associated Hereditary Breast and Ovarian Cancer. Identifiers: Orphanet 145, MedGen C0677776, MeSH D061325, MONDO:0003582. Disease mechanism: loss of function.
Hereditary cancer-predisposing syndrome. Also called: Neoplastic Syndromes, Hereditary; Tumor predisposition; Hereditary neoplastic syndrome; Hereditary Cancer Syndrome. Identifiers: Orphanet 140162, MedGen C0027672, MeSH D009386, MONDO:0015356.
Breast-ovarian cancer, familial, susceptibility to, 2 (BROVCA2). Also called: BRCA2 Hereditary Breast and Ovarian Cancer. Identifiers: Orphanet 145, MedGen C2675520, MONDO:0012933, OMIM 612555. Disease mechanism: loss of function.

Submissions (4):

Evidence-based Network for the Interpretation of Germline Mutant Alleles (ENIGMA)
Classification: Benign for Breast-ovarian cancer, familial, susceptibility to, 2. Last evaluated: 2019-06-18. Review status: reviewed by expert panel. Criteria: ENIGMA BRCA1/2 Classification Criteria (2017-06-29). Collection method: curation. Allele origin: germline.
Comment: IARC class based on posterior probability from multifactorial likelihood analysis, thresholds for class as per Plon et al. 2008 (PMID: 18951446). Class 1 based on posterior probability = 0.000139

Labcorp Genetics (formerly Invitae), Labcorp
Classification: Likely benign for Hereditary breast ovarian cancer syndrome. Last evaluated: 2025-10-29. Review status: criteria provided, single submitter. Criteria: Invitae Variant Classification Sherloc (09022015). Collection method: clinical testing. Allele origin: germline. Not counted in ClinVar's aggregate classification.

Color Diagnostics, LLC DBA Color Health
Classification: Likely benign for Hereditary cancer-predisposing syndrome. Last evaluated: 2019-09-25. Review status: criteria provided, single submitter. Criteria: ACMG Guidelines, 2015. Collection method: clinical testing. Allele origin: germline. Not counted in ClinVar's aggregate classification.

Ambry Genetics
Classification: Likely benign for Hereditary cancer-predisposing syndrome. Last evaluated: 2018-11-14. Review status: criteria provided, single submitter. Criteria: Ambry Variant Classification Scheme 2023. Collection method: clinical testing. Allele origin: germline. Not counted in ClinVar's aggregate classification.

Literature cited by the submitters: PubMed 31131967 (cited by Evidence-based Network for the Interpretation of Germline Mutant Alleles (ENIGMA)).

NM_000059.4(BRCA2):c.8308G>A (p.Ala2770Thr)

Gene: BRCA2 (BRCA2 DNA repair associated; plus strand). Cytogenetic location: 13q13.1.
Variant type: single nucleotide variant.
Coding change: c.8308G>A on transcript NM_000059.4 (MANE Select); coding-DNA position 8308, G replaced by A.
Protein change: p.Ala2770Thr; replaces alanine 2770 with threonine.
Molecular consequence: missense variant.
Genome position (GRCh38, 1-based): chr13:32,363,510, G>A. VCF-style: chr13-32363510-G-A. GRCh37 (hg19) VCF-style: chr13-32937647-G-A.
Other names: short protein forms A2770T.
Identifiers: ClinVar variation 52542 (VCV000052542.20), dbSNP rs397507974, ClinGen allele CA025561.
Genomic context (GRCh38, chr13:32,363,510, plus strand): 5'-AAGATTATTCTTCATGGAGCAGAACTGGTGGGCTCTCCTGATGCCTGTACACCTCTTGAA[G>A]CCCCAGAATCTCTTATGTTAAAGGTAAATTAATTTGCACTCTTGGTAAAAATCAGTCATT-3'
Protein context (NP_000050.3, residues 2760-2780): GSPDACTPLE[Ala2770Thr]PESLMLKISA